The following is an entry in ClinVar:

ClinVar aggregate classification (germline): Uncertain significance. Review status: criteria provided, multiple submitters, no conflicts (2 of 4 stars). 2 submissions from 2 submitters: Uncertain significance (2). Last evaluated 2025-11-10.

Conditions:
Hereditary cancer-predisposing syndrome. Also called: Tumor predisposition; Hereditary neoplastic syndrome; Neoplastic Syndromes, Hereditary; Hereditary Cancer Syndrome. Identifiers: Orphanet 140162, MedGen C0027672, MeSH D009386, MONDO:0015356.

Allele frequency attached by ClinVar (database versions not stated): gnomAD exomes below 0.00001.
gnomAD v4.1: 1 of 1,613,746 alleles (0.000062%); highest among the groups gnomAD compares: South Asian, 0.0011%; no homozygotes.

Submissions (2):

Ambry Genetics
Classification: Uncertain significance for Hereditary cancer-predisposing syndrome. Last evaluated: 2025-11-10. Review status: criteria provided, single submitter. Criteria: Ambry Variant Classification Scheme 2023. Collection method: clinical testing. Allele origin: germline.
Comment: The p.I453N variant (also known as c.1358T>A), located in coding exon 9 of the MSH3 gene, results from a T to A substitution at nucleotide position 1358. The isoleucine at codon 453 is replaced by asparagine, an amino acid with dissimilar properties. This amino acid position is conserved. In addition, the in silico prediction for this alteration is inconclusive. Based on the available evidence, the clinical significance of this variant remains unclear.

Labcorp Genetics (formerly Invitae), Labcorp
Classification: Uncertain significance. Last evaluated: 2022-06-19. Review status: criteria provided, single submitter. Criteria: Invitae Variant Classification Sherloc (09022015). Collection method: clinical testing. Allele origin: germline.
Comment: In summary, the available evidence is currently insufficient to determine the role of this variant in disease. Therefore, it has been classified as a Variant of Uncertain Significance. Algorithms developed to predict the effect of missense changes on protein structure and function are either unavailable or do not agree on the potential impact of this missense change (SIFT: "Deleterious"; PolyPhen-2: "Probably Damaging"; Align-GVGD: "Class C0"). ClinVar contains an entry for this variant (Variation ID: 952337). This variant has not been reported in the literature in individuals affected with MSH3-related conditions. This variant is not present in population databases (gnomAD no frequency). This sequence change replaces isoleucine, which is neutral and non-polar, with asparagine, which is neutral and polar, at codon 453 of the MSH3 protein (p.Ile453Asn).

NM_002439.5(MSH3):c.1358T>A (p.Ile453Asn)

Gene: MSH3 (mutS homolog 3; plus strand). Cytogenetic location: 5q14.1.
Variant type: single nucleotide variant.
Coding change: c.1358T>A on transcript NM_002439.5 (MANE Select); coding-DNA position 1358, T replaced by A.
Protein change: p.Ile453Asn; replaces isoleucine 453 with asparagine.
Molecular consequence: missense variant.
Genome position (GRCh38, 1-based): chr5:80,725,470, T>A. VCF-style: chr5-80725470-T-A. GRCh37 (hg19) VCF-style: chr5-80021289-T-A.
Other names: c.1358T>A (NM_002439.3); short protein forms I453N.
Identifiers: ClinVar variation 952337 (VCV000952337.10), dbSNP rs1743269142, ClinGen allele CA360273378.